The following is an entry in ClinVar:

ClinVar aggregate classification (germline): Uncertain significance. Review status: criteria provided, multiple submitters, no conflicts (2 of 4 stars). 2 submissions from 2 submitters: Uncertain significance (2). Last evaluated 2026-01-21.

Conditions:
Hypertrophic cardiomyopathy. Also called: HYPERTROPHIC MYOCARDIOPATHY. Identifiers: Orphanet 217569, MedGen C0007194, MeSH D002312, MONDO:0005045, HP:0001639.

Allele frequency attached by ClinVar (database versions not stated): ExAC 0.00001; gnomAD exomes 0.00001 and 0.00002; gnomAD 0.00003 and 0.00004; TOPMed 0.00004.
gnomAD v4.1: 17 of 1,613,646 alleles (0.0011%); highest among the groups gnomAD compares: African/African-American, 0.011%; no homozygotes.

Submissions (2):

Labcorp Genetics (formerly Invitae), Labcorp
Classification: Uncertain significance for Hypertrophic cardiomyopathy. Last evaluated: 2026-01-21. Review status: criteria provided, single submitter. Criteria: Invitae Variant Classification Sherloc (09022015). Collection method: clinical testing. Allele origin: germline.
Comment: This sequence change replaces alanine, which is neutral and non-polar, with threonine, which is neutral and polar, at codon 963 of the MYOM1 protein (p.Ala963Thr). This variant is present in population databases (rs780452717, gnomAD 0.02%). This variant has not been reported in the literature in individuals affected with MYOM1-related conditions. ClinVar contains an entry for this variant (Variation ID: 1406964). Invitae Evidence Modeling of protein sequence and biophysical properties (such as structural, functional, and spatial information, amino acid conservation, physicochemical variation, residue mobility, and thermodynamic stability) indicates that this missense variant is not expected to disrupt MYOM1 protein function with a negative predictive value of 80%. In summary, the available evidence is currently insufficient to determine the role of this variant in disease. Therefore, it has been classified as a Variant of Uncertain Significance.

Ambry Genetics
Classification: Uncertain significance. Last evaluated: 2024-07-30. Review status: criteria provided, single submitter. Criteria: Ambry Variant Classification Scheme 2023. Collection method: clinical testing. Allele origin: germline.
Comment: The p.A963T variant (also known as c.2887G>A), located in coding exon 18 of the MYOM1 gene, results from a G to A substitution at nucleotide position 2887. The alanine at codon 963 is replaced by threonine, an amino acid with similar properties. This amino acid position is conserved. In addition, this alteration is predicted to be tolerated by in silico analysis. Since supporting evidence is limited at this time, the clinical significance of this alteration remains unclear.

NM_003803.4(MYOM1):c.2887G>A (p.Ala963Thr)

Gene: MYOM1 (myomesin 1; minus strand). Cytogenetic location: 18p11.31.
Variant type: single nucleotide variant.
Coding change: c.2887G>A on transcript NM_003803.4 (MANE Select); coding-DNA position 2887, G replaced by A.
Protein change: p.Ala963Thr; replaces alanine 963 with threonine.
Molecular consequence: missense variant.
Genome position (GRCh38, 1-based): chr18:3,126,805, C>T on the plus strand (G>A on the coding strand, the complement: MYOM1 is on the minus strand). VCF-style: chr18-3126805-C-T. GRCh37 (hg19) VCF-style: chr18-3126803-C-T.
Other names: c.2599G>A, p.Ala867Thr (NM_019856.2); short protein forms A867T, A963T.
Identifiers: ClinVar variation 1406964 (VCV001406964.11), dbSNP rs780452717, ClinGen allele CA8874501.
Genomic context (GRCh38, chr18:3,126,805, plus strand): 5'-ATTTTCCTGGTACCCCATCAATGACCTCGCGATAGTTCACATAATAGCCAGTAATTTCTG[C>T]CCCTCCAATCTTATCTGGTTGCTTCCATCCAAGAACCATTGAGTCACGAAAACTTTCAAG-3'
Protein context (NP_003794.3, residues 953-973): GWKQPDKIGG[Ala963Thr]EITGYYVNYR